The following is an entry in ClinVar:

ClinVar aggregate classification (germline): Uncertain significance (1 of 4 stars; one submission).

Conditions:
Familial acute necrotizing encephalopathy (IIAE3). Also called: ENCEPHALOPATHY, ACUTE, INFECTION-INDUCED, SUSCEPTIBILITY TO, 3; Susceptibility to Acute Necrotizing Encephalopathy 1. Identifiers: Orphanet 88619, MedGen C2675556, MONDO:0011953, OMIM 608033.

Allele frequency attached by ClinVar (database versions not stated): gnomAD exomes 0.00007 and 0.00035; 1000 Genomes Project 30x 0.00016; gnomAD 0.00018; 1000 Genomes Project 0.00020; ESP Exome Variant Server 0.00056.
gnomAD v4.1: 252 of 1,522,958 alleles (0.017%); highest among the groups gnomAD compares: South Asian, 0.023%; 2 homozygotes.

Submission:

Labcorp Genetics (formerly Invitae), Labcorp
Classification: Uncertain significance for Familial acute necrotizing encephalopathy. Last evaluated: 2021-08-28. Review status: criteria provided, single submitter. Criteria: Invitae Variant Classification Sherloc (09022015). Collection method: clinical testing. Allele origin: germline.
Comment: This sequence change replaces serine with threonine at codon 1640 of the RANBP2 protein (p.Ser1640Thr). The serine residue is weakly conserved and there is a small physicochemical difference between serine and threonine. The frequency data for this variant in the population databases is considered unreliable, as metrics indicate poor data quality at this position in the ExAC database. This variant has not been reported in the literature in individuals affected with RANBP2-related conditions. Algorithms developed to predict the effect of missense changes on protein structure and function output the following: SIFT: "Deleterious"; PolyPhen-2: "Benign"; Align-GVGD: "Class C0". The threonine amino acid residue is found in multiple mammalian species, which suggests that this missense change does not adversely affect protein function. In summary, the available evidence is currently insufficient to determine the role of this variant in disease. Therefore, it has been classified as a Variant of Uncertain Significance.

NM_006267.5(RANBP2):c.4918T>A (p.Ser1640Thr)

Gene: RANBP2 (RAN binding protein 2; plus strand). Cytogenetic location: 2q13.
Variant type: single nucleotide variant.
Coding change: c.4918T>A on transcript NM_006267.5 (MANE Select); coding-DNA position 4918, T replaced by A.
Protein change: p.Ser1640Thr; replaces serine 1640 with threonine.
Molecular consequence: missense variant.
Genome position (GRCh38, 1-based): chr2:108,765,457, T>A. VCF-style: chr2-108765457-T-A. GRCh37 (hg19) VCF-style: chr2-109381913-T-A.
Other names: short protein forms S1640T.
Identifiers: ClinVar variation 950357 (VCV000950357.4), dbSNP rs138946474, ClinGen allele CA1823195.